The following is an entry in ClinVar:

ClinVar aggregate classification (germline): Pathogenic (1 of 4 stars; one submission).

Conditions:
Hereditary spastic paraplegia 11. Also called: SPASTIC PARAPLEGIA, AUTOSOMAL RECESSIVE, COMPLICATED, WITH THIN CORPUS CALLOSUM; SPASTIC PARAPLEGIA, AUTOSOMAL RECESSIVE, WITH MENTAL IMPAIRMENT AND THIN CORPUS CALLOSUM; Spastic paraplegia, mental retardation and thin corpus callosum; Spastic Paraplegia 11; Nakamura Osame syndrome; Autosomal recessive hereditary spastic paraplegia, mental impairment, and thin corpus callosum. Identifiers: Orphanet 2822, MedGen C1858479, MONDO:0011445, OMIM 604360.

gnomAD v4.1: 4 of 1,596,450 alleles (0.00025%); highest among the groups gnomAD compares: Admixed American, 0.0034%; no homozygotes.

Submission:

Labcorp Genetics (formerly Invitae), Labcorp
Classification: Pathogenic for Hereditary spastic paraplegia 11. Last evaluated: 2025-08-09. Review status: criteria provided, single submitter. Criteria: Invitae Variant Classification Sherloc (09022015). Collection method: clinical testing. Allele origin: germline.
Comment: This sequence change creates a premature translational stop signal (p.Trp17*) in the SPG11 gene. It is expected to result in an absent or disrupted protein product. Loss-of-function variants in SPG11 are known to be pathogenic (PMID: 19105190, 20110243, 22154821, 26556829). This variant is not present in population databases (gnomAD no frequency). This variant has not been reported in the literature in individuals affected with SPG11-related conditions. ClinVar contains an entry for this variant (Variation ID: 1444020). For these reasons, this variant has been classified as Pathogenic.

Literature cited by the submitters: PubMed 19105190; PubMed 20110243; PubMed 22154821; PubMed 26556829.

NM_025137.4(SPG11):c.50G>A (p.Trp17Ter)

Gene: SPG11 (SPG11 vesicle trafficking associated, spatacsin; minus strand). Cytogenetic location: 15q21.1.
Variant type: single nucleotide variant.
Coding change: c.50G>A on transcript NM_025137.4 (MANE Select); coding-DNA position 50, G replaced by A.
Protein change: p.Trp17Ter; replaces tryptophan 17 with a stop codon.
Molecular consequence: nonsense.
Genome position (GRCh38, 1-based): chr15:44,663,598, C>T on the plus strand (G>A on the coding strand, the complement: SPG11 is on the minus strand). VCF-style: chr15-44663598-C-T. GRCh37 (hg19) VCF-style: chr15-44955796-C-T.
Other names: c.50G>A, p.Trp17Ter (NM_001160227.2); short protein forms W17*.
Identifiers: ClinVar variation 1444020 (VCV001444020.6), dbSNP rs1339135039, ClinGen allele CA392238875.